The following is an entry in ClinVar:

NM_006118.4(HAX1):c.191G>A (p.Gly64Asp)

Gene: HAX1 (HCLS1 associated protein X-1; plus strand). Cytogenetic location: 1q21.3.
Variant type: single nucleotide variant.
Coding change: c.191G>A on transcript NM_006118.4 (MANE Select); coding-DNA position 191, G replaced by A.
Protein change: p.Gly64Asp; replaces glycine 64 with aspartic acid.
Molecular consequence: missense variant. On other transcripts: intron variant (1).
Genome position (GRCh38, 1-based): chr1:154,273,473, G>A. VCF-style: chr1-154273473-G-A. GRCh37 (hg19) VCF-style: chr1-154245949-G-A.
Other names: c.54-7G>A (NM_001018837.2); short protein forms G64D.
Identifiers: ClinVar variation 949897 (VCV000949897.8), dbSNP rs1684865731, ClinGen allele CA342591481.

ClinVar aggregate classification (germline): Uncertain significance. Review status: criteria provided, multiple submitters, no conflicts (2 of 4 stars). 2 submissions from 2 submitters: Uncertain significance (2). Last evaluated 2025-08-02.

Conditions:
Inborn genetic diseases. Identifiers: MedGen C0950123, MeSH D030342.
Kostmann syndrome (SCN3). Also called: KOSTMANN DISEASE; Autosomal recessive severe congenital neutropenia type 3. Identifiers: Orphanet 99749, MedGen C5235141, MONDO:0012548, OMIM 610738.

Allele frequency attached by ClinVar (database versions not stated): gnomAD exomes below 0.00001.
gnomAD v4.1: 4 of 1,614,150 alleles (0.00025%); highest among the groups gnomAD compares: Admixed American, 0.005%; no homozygotes.

Submissions (2):

Ambry Genetics
Classification: Uncertain significance for Inborn genetic diseases. Last evaluated: 2025-08-02. Review status: criteria provided, single submitter. Criteria: Ambry Variant Classification Scheme 2023. Collection method: clinical testing. Allele origin: germline.
Comment: The p.G64D variant (also known as c.191G>A), located in coding exon 2 of the HAX1 gene, results from a G to A substitution at nucleotide position 191. The glycine at codon 64 is replaced by aspartic acid, an amino acid with similar properties. This amino acid position is conserved. In addition, this alteration is predicted to be tolerated by in silico analysis. Based on the available evidence, the clinical significance of this variant remains unclear.

Labcorp Genetics (formerly Invitae), Labcorp
Classification: Uncertain significance for Kostmann syndrome. Last evaluated: 2021-08-30. Review status: criteria provided, single submitter. Criteria: Invitae Variant Classification Sherloc (09022015). Collection method: clinical testing. Allele origin: germline.
Comment: This sequence change replaces glycine with aspartic acid at codon 64 of the HAX1 protein (p.Gly64Asp). The glycine residue is moderately conserved and there is a moderate physicochemical difference between glycine and aspartic acid. This variant is not present in population databases (ExAC no frequency). This variant has not been reported in the literature in individuals affected with HAX1-related conditions. Algorithms developed to predict the effect of missense changes on protein structure and function are either unavailable or do not agree on the potential impact of this missense change (SIFT: "Tolerated"; PolyPhen-2: "Possibly Damaging"; Align-GVGD: "Class C0"). In summary, the available evidence is currently insufficient to determine the role of this variant in disease. Therefore, it has been classified as a Variant of Uncertain Significance.